The following is an entry in ClinVar:

ClinVar aggregate classification (germline): Uncertain significance (1 of 4 stars; one submission).

Conditions:
Charcot-Marie-Tooth disease type 2E (CMT2E). Also called: CHARCOT-MARIE-TOOTH DISEASE, AXONAL, TYPE 2E; CHARCOT-MARIE-TOOTH NEUROPATHY, TYPE 2E. Identifiers: Orphanet 99939, MedGen C1843225, MONDO:0011894, OMIM 607684.

Submission:

Labcorp Genetics (formerly Invitae), Labcorp
Classification: Uncertain significance for Charcot-Marie-Tooth disease type 2E. Last evaluated: 2021-06-28. Review status: criteria provided, single submitter. Criteria: Invitae Variant Classification Sherloc (09022015). Collection method: clinical testing. Allele origin: germline.
Comment: Experimental studies and prediction algorithms are not available or were not evaluated, and the functional significance of this variant is currently unknown. This sequence change replaces glutamic acid with glycine at codon 397 of the NEFL protein (p.Glu397Gly). The glutamic acid residue is highly conserved and there is a moderate physicochemical difference between glutamic acid and glycine. This variant is not present in population databases (ExAC no frequency). This variant has not been reported in the literature in individuals with NEFL-related conditions. In summary, the available evidence is currently insufficient to determine the role of this variant in disease. Therefore, it has been classified as a Variant of Uncertain Significance.

NM_006158.5(NEFL):c.1190A>G (p.Glu397Gly)

Gene: NEFL (neurofilament light chain; minus strand). Cytogenetic location: 8p21.2.
Variant type: single nucleotide variant.
Coding change: c.1190A>G on transcript NM_006158.5 (MANE Select); coding-DNA position 1190, A replaced by G.
Protein change: p.Glu397Gly; replaces glutamic acid 397 with glycine.
Molecular consequence: missense variant.
Genome position (GRCh38, 1-based): chr8:24,953,775, T>C on the plus strand (A>G on the coding strand, the complement: NEFL is on the minus strand). VCF-style: chr8-24953775-T-C. GRCh37 (hg19) VCF-style: chr8-24811289-T-C.
Other names: short protein forms E397G.
Identifiers: ClinVar variation 1052689 (VCV001052689.3), dbSNP rs2117251875, ClinGen allele CA370620682.
Genomic context (GRCh38, chr8:24,953,775, plus strand): 5'-TGGGAGCTCTGGGAGTAGCCACTGGTTATGCTTCCCACGCTGGTGAAACTGAGTCGGGTC[T>C]CCTCGCCTTCCAAGAGTTTCCTGGGGATGCAGATGCAAGGTGAGGTTAAAAAACACCTGT-3'
Protein context (NP_006149.2, residues 387-407): AAYRKLLEGE[Glu397Gly]TRLSFTSVGS